The following is an entry in ClinVar:

NM_000069.3(CACNA1S):c.3533T>A (p.Phe1178Tyr)

Gene: CACNA1S (calcium voltage-gated channel subunit alpha1 S; minus strand). Cytogenetic location: 1q32.1.
Variant type: single nucleotide variant.
Coding change: c.3533T>A on transcript NM_000069.3 (MANE Select); coding-DNA position 3533, T replaced by A.
Protein change: p.Phe1178Tyr; replaces phenylalanine 1178 with tyrosine.
Molecular consequence: missense variant.
Genome position (GRCh38, 1-based): chr1:201,058,484, A>T on the plus strand (T>A on the coding strand, the complement: CACNA1S is on the minus strand). VCF-style: chr1-201058484-A-T. GRCh37 (hg19) VCF-style: chr1-201027612-A-T.
Other names: short protein forms F1178Y.
Identifiers: ClinVar variation 2944782 (VCV002944782.3), dbSNP rs2464486490, ClinGen allele CA344157804.
Genomic context (GRCh38, chr1:201,058,484, plus strand): 5'-ATGACATCAATGATGCTGCCAATGACAATCAGGAAGTCAAACACATTCCAGGGGTCTCCA[A>T]AGTAGCCCTGGGAAGGAAAAGGATGGGAAAGCGAGGGGGTGAGCTTTGGGAGGAAGGAGC-3'
Protein context (NP_000060.2, residues 1168-1188): KLMAFKARGY[Phe1178Tyr]GDPWNVFDFL

ClinVar aggregate classification (germline): Uncertain significance (1 of 4 stars; one submission).

Conditions:
Malignant hyperthermia, susceptibility to, 5 (MHS5). Also called: CACNA1S-Related Malignant Hyperthermia Susceptibility. Identifiers: Orphanet 423, MedGen C1866077, MONDO:0011163, OMIM 601887.
Hypokalemic periodic paralysis, type 1. Also called: HypoPP; Hypokalemic Periodic Paralysis Type 1 (AD). Identifiers: Orphanet 681, MedGen C3714580, MONDO:0042979, OMIM 170400.

Submission:

Labcorp Genetics (formerly Invitae), Labcorp
Classification: Uncertain significance for Hypokalemic periodic paralysis, type 1; Malignant hyperthermia, susceptibility to, 5. Last evaluated: 2023-06-23. Review status: criteria provided, single submitter. Criteria: Invitae Variant Classification Sherloc (09022015). Collection method: clinical testing. Allele origin: germline.
Comment: Advanced modeling of protein sequence and biophysical properties (such as structural, functional, and spatial information, amino acid conservation, physicochemical variation, residue mobility, and thermodynamic stability) performed at Invitae indicates that this missense variant is not expected to disrupt CACNA1S protein function. In summary, the available evidence is currently insufficient to determine the role of this variant in disease. Therefore, it has been classified as a Variant of Uncertain Significance. This variant has not been reported in the literature in individuals affected with CACNA1S-related conditions. This variant is not present in population databases (gnomAD no frequency). This sequence change replaces phenylalanine, which is neutral and non-polar, with tyrosine, which is neutral and polar, at codon 1178 of the CACNA1S protein (p.Phe1178Tyr).